The following is an entry in ClinVar:

NM_001005373.4(LRSAM1):c.982C>G (p.Leu328Val)

Gene: LRSAM1 (leucine rich repeat and sterile alpha motif containing 1; plus strand). Cytogenetic location: 9q33.3.
Variant type: single nucleotide variant.
Coding change: c.982C>G on transcript NM_001005373.4 (MANE Select); coding-DNA position 982, C replaced by G.
Protein change: p.Leu328Val; replaces leucine 328 with valine.
Molecular consequence: missense variant. On other transcripts: non-coding transcript variant (2).
Genome position (GRCh38, 1-based): chr9:127,479,917, C>G. VCF-style: chr9-127479917-C-G. GRCh37 (hg19) VCF-style: chr9-130242196-C-G.
Other names: c.982C>G, p.Leu328Val (NM_001005374.4, NM_001190723.3, NM_001384142.1 and 2 more transcripts); c.193C>G, p.Leu65Val (NM_001384144.1); short protein forms L328V, L65V.
Identifiers: ClinVar variation 1491960 (VCV001491960.6), dbSNP rs2132064383, ClinGen allele CA374931521.
Genomic context (GRCh38, chr9:127,479,917, plus strand): 5'-CAGGGCCTGAGTGAGCACCAGCGCCACCTCAACGCAGAGCGGCAGCGGCTGCAGGAGCAG[C>G]TGAAGCAGACGGAACAGAACATTTCCAGCCGGATCCAGAAGCTGCTGCAGGACAATCAGA-3'
Protein context (NP_001005373.1, residues 318-338): NAERQRLQEQ[Leu328Val]KQTEQNISSR

ClinVar aggregate classification (germline): Uncertain significance (1 of 4 stars; one submission).

Conditions:
Charcot-Marie-Tooth disease axonal type 2P. Also called: CHARCOT-MARIE-TOOTH NEUROPATHY, TYPE 2P; Charcot-Marie-Tooth Neuropathy Type 2G; CHARCOT-MARIE-TOOTH DISEASE, AXONAL, TYPE 2G; CMT 2G. Identifiers: Orphanet 300319, Orphanet 99941, MedGen C3280797, MONDO:0013753, OMIM 614436.

Submission:

Labcorp Genetics (formerly Invitae), Labcorp
Classification: Uncertain significance for Charcot-Marie-Tooth disease axonal type 2P. Last evaluated: 2021-09-20. Review status: criteria provided, single submitter. Criteria: Invitae Variant Classification Sherloc (09022015). Collection method: clinical testing. Allele origin: germline.
Comment: This sequence change replaces leucine with valine at codon 328 of the LRSAM1 protein (p.Leu328Val). The leucine residue is highly conserved and there is a small physicochemical difference between leucine and valine. In summary, the available evidence is currently insufficient to determine the role of this variant in disease. Therefore, it has been classified as a Variant of Uncertain Significance. Algorithms developed to predict the effect of sequence changes on RNA splicing suggest that this variant may create or strengthen a splice site. Algorithms developed to predict the effect of missense changes on protein structure and function are either unavailable or do not agree on the potential impact of this missense change (SIFT: "Tolerated"; PolyPhen-2: "Probably Damaging"; Align-GVGD: "Class C0"). This variant has not been reported in the literature in individuals affected with LRSAM1-related conditions. This variant is not present in population databases (ExAC no frequency).